The following is an entry in ClinVar:

NM_001083116.3(PRF1):c.1274G>A (p.Trp425Ter)

Gene: PRF1 (perforin 1; minus strand). Cytogenetic location: 10q22.1.
Variant type: single nucleotide variant.
Coding change: c.1274G>A on transcript NM_001083116.3 (MANE Select); coding-DNA position 1274, G replaced by A.
Protein change: p.Trp425Ter; replaces tryptophan 425 with a stop codon.
Molecular consequence: nonsense.
Genome position (GRCh38, 1-based): chr10:70,598,447, C>T on the plus strand (G>A on the coding strand, the complement: PRF1 is on the minus strand). VCF-style: chr10-70598447-C-T. GRCh37 (hg19) VCF-style: chr10-72358203-C-T.
Other names: c.1274G>A, p.Trp425Ter (NM_005041.6); short protein forms W425*.
Identifiers: ClinVar variation 2678063 (VCV002678063.4), dbSNP rs142606828, ClinGen allele CA209366737.

ClinVar aggregate classification (germline): Pathogenic/Likely pathogenic. Review status: criteria provided, multiple submitters, no conflicts (2 of 4 stars). 2 submissions from 2 submitters: Pathogenic (1); Likely pathogenic (1). Last evaluated 2023-06-01.

Conditions:
Aplastic anemia. Identifiers: Orphanet 182040, Orphanet 88, MedGen C0002874, MONDO:0015909, OMIM 609135, HP:0001915.
Familial hemophagocytic lymphohistiocytosis 2 (FHL2). Also called: PRF1-Related Familial Hemophagocytic Lymphohistiocytosis (PRF1-fHLH). Identifiers: Orphanet 540, MedGen C1863727, MONDO:0011337, OMIM 603553.

Allele frequency attached by ClinVar (database versions not stated): gnomAD exomes below 0.00001; gnomAD 0.00001; TOPMed 0.00001; ESP Exome Variant Server 0.00008.
gnomAD v4.1: 3 of 1,613,686 alleles (0.00019%); highest among the groups gnomAD compares: African/African-American, 0.0013%; no homozygotes.

Submissions (2):

Labcorp Genetics (formerly Invitae), Labcorp
Classification: Pathogenic for Familial hemophagocytic lymphohistiocytosis 2. Last evaluated: 2023-06-01. Review status: criteria provided, single submitter. Criteria: Invitae Variant Classification Sherloc (09022015). Collection method: clinical testing. Allele origin: germline.
Comment: For these reasons, this variant has been classified as Pathogenic. This variant disrupts a region of the PRF1 protein in which other variant(s) (p.Thr435Met) have been determined to be pathogenic (PMID: 15728124, 18927437, 19487666, 25233452, 32542393). This suggests that this is a clinically significant region of the protein, and that variants that disrupt it are likely to be disease-causing. This variant has not been reported in the literature in individuals affected with PRF1-related conditions. This variant is not present in population databases (gnomAD no frequency). This sequence change creates a premature translational stop signal (p.Trp425*) in the PRF1 gene. While this is not anticipated to result in nonsense mediated decay, it is expected to disrupt the last 131 amino acid(s) of the PRF1 protein.

Baylor Genetics
Classification: Likely pathogenic for Aplastic anemia. Last evaluated: 2022-05-23. Review status: criteria provided, single submitter. Criteria: ACMG Guidelines, 2015. Collection method: clinical testing. Allele origin: unknown.

Literature cited by the submitters: PubMed 15728124 (cited by Labcorp Genetics (formerly Invitae), Labcorp); PubMed 18927437 (cited by Labcorp Genetics (formerly Invitae), Labcorp); PubMed 19487666 (cited by Labcorp Genetics (formerly Invitae), Labcorp); PubMed 25233452 (cited by Labcorp Genetics (formerly Invitae), Labcorp); PubMed 32542393 (cited by Labcorp Genetics (formerly Invitae), Labcorp).